The following is an entry in ClinVar:

ClinVar aggregate classification (germline): Conflicting classifications of pathogenicity. Review status: criteria provided, conflicting classifications (1 of 4 stars). 2 submissions from 2 submitters: Uncertain significance (1); Benign (1). Last evaluated 2026-01-02.

Conditions:
Congenital contractural arachnodactyly (CCA). Also called: Arthrogryposis, distal, type 9; BEALS SYNDROME; Beals-Hecht syndrome. Identifiers: Orphanet 115, MedGen C0220668, MONDO:0007363, OMIM 121050.

Allele frequency attached by ClinVar (database versions not stated): TOPMed below 0.00001; gnomAD 0.00001; gnomAD exomes 0.00001 and 0.00003; ExAC 0.00002.
gnomAD v4.1: 24 of 1,614,020 alleles (0.0015%); highest among the groups gnomAD compares: East Asian, 0.018%; no homozygotes.

Submissions (2):

Labcorp Genetics (formerly Invitae), Labcorp
Classification: Benign for Congenital contractural arachnodactyly. Last evaluated: 2026-01-02. Review status: criteria provided, single submitter. Criteria: Invitae Variant Classification Sherloc (09022015). Collection method: clinical testing. Allele origin: germline.

GeneDx
Classification: Uncertain significance. Last evaluated: 2024-02-28. Review status: criteria provided, single submitter. Criteria: GeneDx Variant Classification Process June 2021. Collection method: clinical testing. Allele origin: germline. Affected: yes.
Comment: Has not been previously published as pathogenic or benign to our knowledge; In silico analysis supports that this missense variant has a deleterious effect on protein structure/function

NM_001999.4(FBN2):c.3568G>A (p.Glu1190Lys)

Gene: FBN2 (fibrillin 2; minus strand). Cytogenetic location: 5q23.3.
Variant type: single nucleotide variant.
Coding change: c.3568G>A on transcript NM_001999.4 (MANE Select); coding-DNA position 3568, G replaced by A.
Protein change: p.Glu1190Lys; replaces glutamic acid 1190 with lysine.
Molecular consequence: missense variant.
Genome position (GRCh38, 1-based): chr5:128,338,027, C>T on the plus strand (G>A on the coding strand, the complement: FBN2 is on the minus strand). VCF-style: chr5-128338027-C-T. GRCh37 (hg19) VCF-style: chr5-127673719-C-T.
Other names: short protein forms E1190K.
Identifiers: ClinVar variation 1304082 (VCV001304082.7), dbSNP rs755737169, ClinGen allele CA3395200.
Genomic context (GRCh38, chr5:128,338,027, plus strand): 5'-CAGGTTTATGTGCTGAGGAGATAAACTCACCCACACAGTCCTCACGGGATGGTGACAGCT[C>T]GTGTCCCAGTGGGCAGTCACACTGAAAGCTGCCCTCAGTGTTCACACAGGTGCCACCCCT-3'
Protein context (NP_001990.2, residues 1180-1200): SFQCDCPLGH[Glu1190Lys]LSPSREDCVD